The following is an entry in ClinVar:

NM_015884.4(MBTPS2):c.200G>A (p.Arg67Gln)

Gene: MBTPS2 (membrane bound transcription factor peptidase, site 2; plus strand). Cytogenetic location: Xp22.12.
Variant type: single nucleotide variant.
Coding change: c.200G>A on transcript NM_015884.4 (MANE Select); coding-DNA position 200, G replaced by A.
Protein change: p.Arg67Gln; replaces arginine 67 with glutamine.
Molecular consequence: missense variant.
Genome position (GRCh38, 1-based): chrX:21,843,294, G>A. VCF-style: chrX-21843294-G-A. GRCh37 (hg19) VCF-style: chrX-21861412-G-A.
Other names: short protein forms R67Q.
Identifiers: ClinVar variation 4698969 (VCV004698969.1).

ClinVar aggregate classification (germline): Uncertain significance (1 of 4 stars; one submission).

gnomAD v4.1: 19 of 1,209,598 alleles (0.0016%); highest among the groups gnomAD compares: East Asian, 0.012%; no homozygotes.

Submission:

Labcorp Genetics (formerly Invitae), Labcorp
Classification: Uncertain significance. Last evaluated: 2025-08-10. Review status: criteria provided, single submitter. Criteria: Invitae Variant Classification Sherloc (09022015). Collection method: clinical testing. Allele origin: germline.
Comment: This sequence change replaces arginine, which is basic and polar, with glutamine, which is neutral and polar, at codon 67 of the MBTPS2 protein (p.Arg67Gln). This variant is present in population databases (no rsID available, gnomAD 0.02%). This variant has not been reported in the literature in individuals affected with MBTPS2-related conditions. Invitae Evidence Modeling of protein sequence and biophysical properties (such as structural, functional, and spatial information, amino acid conservation, physicochemical variation, residue mobility, and thermodynamic stability) indicates that this missense variant is not expected to disrupt MBTPS2 protein function with a negative predictive value of 95%. In summary, the available evidence is currently insufficient to determine the role of this variant in disease. Therefore, it has been classified as a Variant of Uncertain Significance.